The following is an entry in ClinVar:

ClinVar aggregate classification (germline): Uncertain significance (1 of 4 stars; one submission).

Conditions:
Peroxisome biogenesis disorder 11A (Zellweger). Also called: Peroxisome biogenesis disorder 11A. Identifiers: Orphanet 912, MedGen C3554000, MONDO:0013949, OMIM 614883.

Submission:

Labcorp Genetics (formerly Invitae), Labcorp
Classification: Uncertain significance for Peroxisome biogenesis disorder 11A (Zellweger). Last evaluated: 2019-10-03. Review status: criteria provided, single submitter. Criteria: Invitae Variant Classification Sherloc (09022015). Collection method: clinical testing. Allele origin: germline.
Comment: In summary, the available evidence is currently insufficient to determine the role of this variant in disease. Therefore, it has been classified as a Variant of Uncertain Significance. Algorithms developed to predict the effect of sequence changes on RNA splicing suggest that this variant may create or strengthen a splice site, but this prediction has not been confirmed by published transcriptional studies. Algorithms developed to predict the effect of missense changes on protein structure and function are either unavailable or do not agree on the potential impact of this missense change (SIFT: "Tolerated"; PolyPhen-2: "Probably Damaging"; Align-GVGD: "Class C0"). This sequence change replaces glycine with serine at codon 335 of the PEX13 protein (p.Gly335Ser). The glycine residue is highly conserved and there is a small physicochemical difference between glycine and serine. This variant has not been reported in the literature in individuals with PEX13-related conditions. This variant is not present in population databases (ExAC no frequency).

NM_002618.4(PEX13):c.1003G>A (p.Gly335Ser)

Gene: PEX13 (peroxisomal biogenesis factor 13; plus strand). Cytogenetic location: 2p15.
Variant type: single nucleotide variant.
Coding change: c.1003G>A on transcript NM_002618.4 (MANE Select); coding-DNA position 1003, G replaced by A.
Protein change: p.Gly335Ser; replaces glycine 335 with serine.
Molecular consequence: missense variant.
Genome position (GRCh38, 1-based): chr2:61,048,561, G>A. VCF-style: chr2-61048561-G-A. GRCh37 (hg19) VCF-style: chr2-61275696-G-A.
Other names: short protein forms G335S.
Identifiers: ClinVar variation 971279 (VCV000971279.9), dbSNP rs1680746099, ClinGen allele CA346949761.